The following is an entry in ClinVar:

ClinVar aggregate classification (germline): Uncertain significance. Review status: criteria provided, multiple submitters, no conflicts (2 of 4 stars). 4 submissions from 4 submitters: Uncertain significance (4). Last evaluated 2024-01-23.

Conditions:
Inborn genetic diseases. Identifiers: MedGen C0950123, MeSH D030342.
Monogenic diabetes. Identifiers: Orphanet 183625, MedGen C3888631, MONDO:0015967.
Wolcott-Rallison dysplasia. Also called: Wolcott-Rallison syndrome; MED-IDDM SYNDROME. Identifiers: Orphanet 1667, MedGen C0432217, MONDO:0009192, OMIM 226980.

Allele frequency attached by ClinVar (database versions not stated): ExAC below 0.00001; gnomAD exomes 0.00008 and 0.00009; TOPMed 0.00011; gnomAD 0.00013 and 0.00014.

Submissions (4):

Fulgent Genetics
Classification: Uncertain significance for Wolcott-Rallison dysplasia. Last evaluated: 2024-01-23. Review status: criteria provided, single submitter. Criteria: ACMG Guidelines, 2015. Collection method: clinical testing. Allele origin: germline.

Ambry Genetics
Classification: Uncertain significance for Inborn genetic diseases. Last evaluated: 2023-09-13. Review status: criteria provided, single submitter. Criteria: Ambry Variant Classification Scheme 2023. Collection method: clinical testing. Allele origin: germline.

Labcorp Genetics (formerly Invitae), Labcorp
Classification: Uncertain significance. Last evaluated: 2022-03-26. Review status: criteria provided, single submitter. Criteria: Invitae Variant Classification Sherloc (09022015). Collection method: clinical testing. Allele origin: germline.
Comment: This sequence change replaces alanine, which is neutral and non-polar, with valine, which is neutral and non-polar, at codon 50 of the EIF2AK3 protein (p.Ala50Val). This variant is present in population databases (rs766276341, gnomAD 0.02%). This variant has not been reported in the literature in individuals affected with EIF2AK3-related conditions. ClinVar contains an entry for this variant (Variation ID: 917440). Algorithms developed to predict the effect of missense changes on protein structure and function are either unavailable or do not agree on the potential impact of this missense change (SIFT: "Tolerated"; PolyPhen-2: "Not Available"; Align-GVGD: "Class C0"). In summary, the available evidence is currently insufficient to determine the role of this variant in disease. Therefore, it has been classified as a Variant of Uncertain Significance.

Personalized Diabetes Medicine Program, University of Maryland School of Medicine
Classification: Uncertain significance for Monogenic diabetes. Last evaluated: 2018-04-09. Review status: criteria provided, single submitter. Criteria: ACMG Guidelines, 2015. Collection method: research. Allele origin: unknown. Observed: 1 variant allele, 1 heterozygote.
Comment: ACMG criteria: PP3 (2 predictors), BP4 (8 predictors), REVEL=0.068=VUS

NM_004836.7(EIF2AK3):c.149C>T (p.Ala50Val)

Gene: EIF2AK3 (eukaryotic translation initiation factor 2 alpha kinase 3; minus strand). Cytogenetic location: 2p11.2.
Variant type: single nucleotide variant.
Coding change: c.149C>T on transcript NM_004836.7 (MANE Select); coding-DNA position 149, C replaced by T.
Protein change: p.Ala50Val; replaces alanine 50 with valine.
Molecular consequence: missense variant.
Genome position (GRCh38, 1-based): chr2:88,627,126, G>A on the plus strand (C>T on the coding strand, the complement: EIF2AK3 is on the minus strand). VCF-style: chr2-88627126-G-A. GRCh37 (hg19) VCF-style: chr2-88926644-G-A.
Other names: c.149C>T (NM_004836.5); short protein forms A50V.
Identifiers: ClinVar variation 917440 (VCV000917440.10), dbSNP rs766276341, ClinGen allele CA1755009.